The following is an entry in ClinVar:

ClinVar aggregate classification (germline): Uncertain significance (1 of 4 stars; one submission).

Submission:

GeneDx
Classification: Uncertain significance. Last evaluated: 2022-07-07. Review status: criteria provided, single submitter. Criteria: GeneDx Variant Classification Process June 2021. Collection method: clinical testing. Allele origin: germline. Affected: yes.
Comment: Not observed at significant frequency in large population cohorts (gnomAD); In-frame insertion of 2 amino acids in a non-repeat region; Has not been previously published as pathogenic or benign to our knowledge

NM_004818.3(DDX23):c.228ACGAGA[3] (p.Arg79_Asp80insGluArg)

Gene: DDX23 (DEAD-box helicase 23; minus strand). Cytogenetic location: 12q13.12.
Variant type: Microsatellite.
Coding change: c.228ACGAGA[3] on transcript NM_004818.3 (MANE Select); three copies in a row of the 6-base unit ACGAGA starting at c.228; the reference has two copies in a row; one copy, 6 bases duplicated.
Protein change: p.Arg79_Asp80insGluArg.
Molecular consequence: inframe insertion.
Genome position (GRCh38, 1-based): chr12:48,844,021-48,844,026, TCTCGT duplicated on the plus strand (ACGAGA on the coding strand, the reverse complement: DDX23 is on the minus strand); duplicating any 6 consecutive bases within chr12:48,844,021-48,844,035 gives the same sequence; the position shown is the placement nearest the transcript's 3' end. VCF-style (leftmost placement, unchanged base first): chr12-48844020-A-ATCTCGT. GRCh37 (hg19) VCF-style: chr12-49237803-A-ATCTCGT.
Identifiers: ClinVar variation 1810684 (VCV001810684.1), dbSNP rs1938619935, ClinGen allele CA2580615177.